The following is an entry in ClinVar:

ClinVar aggregate classification (germline): Uncertain significance. Review status: criteria provided, multiple submitters, no conflicts (2 of 4 stars). 2 submissions from 2 submitters: Uncertain significance (2). Last evaluated 2025-08-22.

Conditions:
Inborn genetic diseases. Identifiers: MedGen C0950123, MeSH D030342.

Allele frequency attached by ClinVar (database versions not stated): ExAC 0.00001; gnomAD 0.00001; gnomAD exomes 0.00002; TOPMed 0.00002.
gnomAD v4.1: 29 of 1,612,016 alleles (0.0018%); highest among the groups gnomAD compares: Non-Finnish European, 0.0023%; no homozygotes.

Submissions (2):

Ambry Genetics
Classification: Uncertain significance for Inborn genetic diseases. Last evaluated: 2025-08-22. Review status: criteria provided, single submitter. Criteria: Ambry Variant Classification Scheme 2023. Collection method: clinical testing. Allele origin: germline.

Labcorp Genetics (formerly Invitae), Labcorp
Classification: Uncertain significance. Last evaluated: 2024-07-03. Review status: criteria provided, single submitter. Criteria: Invitae Variant Classification Sherloc (09022015). Collection method: clinical testing. Allele origin: germline.
Comment: This sequence change replaces glutamic acid, which is acidic and polar, with lysine, which is basic and polar, at codon 475 of the SLC12A6 protein (p.Glu475Lys). This variant is present in population databases (rs771256519, gnomAD 0.007%). This variant has not been reported in the literature in individuals affected with SLC12A6-related conditions. ClinVar contains an entry for this variant (Variation ID: 2153585). Advanced modeling of protein sequence and biophysical properties (such as structural, functional, and spatial information, amino acid conservation, physicochemical variation, residue mobility, and thermodynamic stability) performed at Invitae indicates that this missense variant is not expected to disrupt SLC12A6 protein function with a negative predictive value of 80%. In summary, the available evidence is currently insufficient to determine the role of this variant in disease. Therefore, it has been classified as a Variant of Uncertain Significance.

NM_001365088.1(SLC12A6):c.1423G>A (p.Glu475Lys)

Gene: SLC12A6 (solute carrier family 12 member 6; minus strand). Cytogenetic location: 15q14.
Variant type: single nucleotide variant.
Coding change: c.1423G>A on transcript NM_001365088.1 (MANE Select); coding-DNA position 1423, G replaced by A.
Protein change: p.Glu475Lys; replaces glutamic acid 475 with lysine.
Molecular consequence: missense variant.
Genome position (GRCh38, 1-based): chr15:34,250,968, C>T on the plus strand (G>A on the coding strand, the complement: SLC12A6 is on the minus strand). VCF-style: chr15-34250968-C-T. GRCh37 (hg19) VCF-style: chr15-34543169-C-T.
Other names: c.1246G>A, p.Glu416Lys (NM_001042494.2, NM_001042495.2); c.1396G>A, p.Glu466Lys (NM_001042496.2); c.1378G>A, p.Glu460Lys (NM_001042497.2); c.1270G>A, p.Glu424Lys (NM_005135.2); c.1423G>A, p.Glu475Lys (NM_133647.2); short protein forms E466K, E416K, E460K, E475K, E424K.
Identifiers: ClinVar variation 2153585 (VCV002153585.5), dbSNP rs771256519, ClinGen allele CA7464310.